The following is an entry in ClinVar:

NM_032620.4(GTPBP3):c.302-17C>G

Gene: GTPBP3 (GTP binding protein 3, mitochondrial; plus strand). Cytogenetic location: 19p13.11.
Variant type: single nucleotide variant.
Coding change: c.302-17C>G on transcript NM_032620.4 (MANE Select); 17 bases into the intron before coding-DNA position 302, C replaced by G.
Molecular consequence: intron variant.
Genome position (GRCh38, 1-based): chr19:17,338,348, C>G. VCF-style: chr19-17338348-C-G. GRCh37 (hg19) VCF-style: chr19-17449157-C-G.
Other names: c.368-17C>G (NM_001195422.1); c.302-17C>G (NM_133644.4, NM_001128855.3).
Identifiers: ClinVar variation 379976 (VCV000379976.12), dbSNP rs75326392, ClinGen allele CA9293303.

ClinVar aggregate classification (germline): Benign. Review status: criteria provided, multiple submitters, no conflicts (2 of 4 stars). 3 submissions from 3 submitters: Benign (3). Last evaluated 2026-02-03.

Allele frequency attached by ClinVar (database versions not stated): 1000 Genomes Project 0.07408; 1000 Genomes Project 30x 0.07698; gnomAD exomes 0.08822; ExAC 0.09152; TOPMed 0.11186; gnomAD 0.11272 and 0.11786; ESP Exome Variant Server 0.12148.
gnomAD v4.1: 165,224 of 1,613,338 alleles (10%); highest among the groups gnomAD compares: African/African-American, 15%; 9,131 homozygotes.

Submissions (25):

Labcorp Genetics (formerly Invitae), Labcorp
Classification: Benign. Last evaluated: 2026-02-03. Review status: criteria provided, single submitter. Criteria: Invitae Variant Classification Sherloc (09022015). Collection method: clinical testing. Allele origin: germline.

GeneDx
Classification: Benign. Last evaluated: 2016-01-18. Review status: criteria provided, single submitter. Criteria: GeneDx Variant Classification (06012015). Collection method: clinical testing. Allele origin: germline. Affected: yes.
Comment: This variant is considered likely benign or benign based on one or more of the following criteria: it is a conservative change, it occurs at a poorly conserved position in the protein, it is predicted to be benign by multiple in silico algorithms, and/or has population frequency not consistent with disease.

Breakthrough Genomics
Classification: Benign. Review status: criteria provided, single submitter. Criteria: ACMG Guidelines, 2015. Collection method: not provided. Allele origin: germline. Inheritance: Autosomal recessive inheritance. Affected: yes.

Dr. Peter K. Rogan Lab, Western University
No classification provided (evidence only). Condition: Familial cancer of breast. Review status: no classification provided. Collection method: in vitro. Allele origin: not applicable. Functional consequence: retained intron. Not counted in ClinVar's aggregate classification.

Dr. Peter K. Rogan Lab, Western University
No classification provided (evidence only). Condition: Malignant lymphoma, large B-cell, diffuse. Review status: no classification provided. Collection method: in vitro. Allele origin: not applicable. Functional consequence: retained intron. Not counted in ClinVar's aggregate classification.

Dr. Peter K. Rogan Lab, Western University
No classification provided (evidence only). Condition: Malignant lymphoma, large B-cell, diffuse. Review status: no classification provided. Collection method: in vitro. Allele origin: not applicable. Functional consequence: retained intron. Not counted in ClinVar's aggregate classification.

Dr. Peter K. Rogan Lab, Western University
No classification provided (evidence only). Condition: Malignant lymphoma, large B-cell, diffuse. Review status: no classification provided. Collection method: in vitro. Allele origin: not applicable. Functional consequence: retained intron. Not counted in ClinVar's aggregate classification.

Dr. Peter K. Rogan Lab, Western University
No classification provided (evidence only). Condition: Malignant lymphoma, large B-cell, diffuse. Review status: no classification provided. Collection method: in vitro. Allele origin: not applicable. Functional consequence: retained intron. Not counted in ClinVar's aggregate classification.

Dr. Peter K. Rogan Lab, Western University
No classification provided (evidence only). Condition: Cholangiocarcinoma. Review status: no classification provided. Collection method: in vitro. Allele origin: not applicable. Functional consequence: retained intron. Not counted in ClinVar's aggregate classification.

Dr. Peter K. Rogan Lab, Western University
No classification provided (evidence only). Condition: Cholangiocarcinoma. Review status: no classification provided. Collection method: in vitro. Allele origin: not applicable. Functional consequence: retained intron. Not counted in ClinVar's aggregate classification.

Dr. Peter K. Rogan Lab, Western University
No classification provided (evidence only). Condition: Uterine carcinosarcoma. Review status: no classification provided. Collection method: in vitro. Allele origin: not applicable. Functional consequence: retained intron. Not counted in ClinVar's aggregate classification.

Dr. Peter K. Rogan Lab, Western University
No classification provided (evidence only). Condition: Uterine carcinosarcoma. Review status: no classification provided. Collection method: in vitro. Allele origin: not applicable. Functional consequence: retained intron. Not counted in ClinVar's aggregate classification.

Dr. Peter K. Rogan Lab, Western University
No classification provided (evidence only). Condition: Uterine carcinosarcoma. Review status: no classification provided. Collection method: in vitro. Allele origin: not applicable. Functional consequence: retained intron. Not counted in ClinVar's aggregate classification.

Dr. Peter K. Rogan Lab, Western University
No classification provided (evidence only). Condition: Uterine carcinosarcoma. Review status: no classification provided. Collection method: in vitro. Allele origin: not applicable. Functional consequence: retained intron. Not counted in ClinVar's aggregate classification.

Dr. Peter K. Rogan Lab, Western University
No classification provided (evidence only). Condition: Uterine carcinosarcoma. Review status: no classification provided. Collection method: in vitro. Allele origin: not applicable. Functional consequence: retained intron. Not counted in ClinVar's aggregate classification.

Dr. Peter K. Rogan Lab, Western University
No classification provided (evidence only). Condition: Uterine carcinosarcoma. Review status: no classification provided. Collection method: in vitro. Allele origin: not applicable. Functional consequence: retained intron. Not counted in ClinVar's aggregate classification.

Dr. Peter K. Rogan Lab, Western University
No classification provided (evidence only). Condition: Uterine carcinosarcoma. Review status: no classification provided. Collection method: in vitro. Allele origin: not applicable. Functional consequence: retained intron. Not counted in ClinVar's aggregate classification.

Dr. Peter K. Rogan Lab, Western University
No classification provided (evidence only). Condition: Uveal melanoma. Review status: no classification provided. Collection method: in vitro. Allele origin: not applicable. Functional consequence: retained intron. Not counted in ClinVar's aggregate classification.

Dr. Peter K. Rogan Lab, Western University
No classification provided (evidence only). Condition: Uveal melanoma. Review status: no classification provided. Collection method: in vitro. Allele origin: not applicable. Functional consequence: retained intron. Not counted in ClinVar's aggregate classification.

Dr. Peter K. Rogan Lab, Western University
No classification provided (evidence only). Condition: Uveal melanoma. Review status: no classification provided. Collection method: in vitro. Allele origin: not applicable. Functional consequence: retained intron. Not counted in ClinVar's aggregate classification.

Dr. Peter K. Rogan Lab, Western University
No classification provided (evidence only). Condition: Uveal melanoma. Review status: no classification provided. Collection method: in vitro. Allele origin: not applicable. Functional consequence: retained intron. Not counted in ClinVar's aggregate classification.

Dr. Peter K. Rogan Lab, Western University
No classification provided (evidence only). Condition: Uveal melanoma. Review status: no classification provided. Collection method: in vitro. Allele origin: not applicable. Functional consequence: retained intron. Not counted in ClinVar's aggregate classification.

Dr. Peter K. Rogan Lab, Western University
No classification provided (evidence only). Condition: Uveal melanoma. Review status: no classification provided. Collection method: in vitro. Allele origin: not applicable. Functional consequence: retained intron. Not counted in ClinVar's aggregate classification.

Dr. Peter K. Rogan Lab, Western University
No classification provided (evidence only). Condition: Uveal melanoma. Review status: no classification provided. Collection method: in vitro. Allele origin: not applicable. Functional consequence: retained intron. Not counted in ClinVar's aggregate classification.

Dr. Peter K. Rogan Lab, Western University
No classification provided (evidence only). Condition: Uveal melanoma. Review status: no classification provided. Collection method: in vitro. Allele origin: not applicable. Functional consequence: retained intron. Not counted in ClinVar's aggregate classification.